The following is an entry in ClinVar:

NM_001042492.3(NF1):c.484C>G (p.Gln162Glu)

Gene: NF1 (neurofibromin 1; plus strand). Cytogenetic location: 17q11.2.
Variant type: single nucleotide variant.
Coding change: c.484C>G on transcript NM_001042492.3 (MANE Select); coding-DNA position 484, C replaced by G.
Protein change: p.Gln162Glu; replaces glutamine 162 with glutamic acid.
Molecular consequence: missense variant.
Genome position (GRCh38, 1-based): chr17:31,169,895, C>G. VCF-style: chr17-31169895-C-G. GRCh37 (hg19) VCF-style: chr17-29496913-C-G.
Other names: c.484C>G, p.Gln162Glu (NM_000267.4, NM_001128147.3); short protein forms Q162E.
Identifiers: ClinVar variation 457727 (VCV000457727.13), dbSNP rs1555607073, ClinGen allele CA398984664.

ClinVar aggregate classification (germline): Uncertain significance. Review status: criteria provided, multiple submitters, no conflicts (2 of 4 stars). 3 submissions from 3 submitters: Uncertain significance (3). Last evaluated 2025-01-12.

Conditions:
Cardiovascular phenotype. Identifiers: MedGen CN230736.
Hereditary cancer-predisposing syndrome. Also called: Hereditary Cancer Syndrome; Hereditary neoplastic syndrome; Tumor predisposition; Neoplastic Syndromes, Hereditary. Identifiers: Orphanet 140162, MedGen C0027672, MeSH D009386, MONDO:0015356.
Neurofibromatosis, type 1 (NF1). Also called: VON RECKLINGHAUSEN DISEASE; NEUROFIBROMATOSIS, TYPE I, SOMATIC; Peripheral type neurofibromatosis; Neurofibromatosis, type I. Identifiers: Orphanet 636, MedGen C0027831, MONDO:0018975, OMIM 162200. Disease mechanism: loss of function.

Submissions (3):

Labcorp Genetics (formerly Invitae), Labcorp
Classification: Uncertain significance for Neurofibromatosis, type 1. Last evaluated: 2025-01-12. Review status: criteria provided, single submitter. Criteria: Invitae Variant Classification Sherloc (09022015). Collection method: clinical testing. Allele origin: germline.
Comment: This sequence change replaces glutamine, which is neutral and polar, with glutamic acid, which is acidic and polar, at codon 162 of the NF1 protein (p.Gln162Glu). This variant is not present in population databases (gnomAD no frequency). This variant has not been reported in the literature in individuals affected with NF1-related conditions. ClinVar contains an entry for this variant (Variation ID: 457727). Invitae Evidence Modeling of protein sequence and biophysical properties (such as structural, functional, and spatial information, amino acid conservation, physicochemical variation, residue mobility, and thermodynamic stability) indicates that this missense variant is expected to disrupt NF1 protein function with a positive predictive value of 95%. In summary, the available evidence is currently insufficient to determine the role of this variant in disease. Therefore, it has been classified as a Variant of Uncertain Significance.

Genome-Nilou Lab
Classification: Uncertain significance for Neurofibromatosis, type 1. Last evaluated: 2022-03-15. Review status: criteria provided, single submitter. Criteria: ACMG Guidelines, 2015. Collection method: clinical testing. Allele origin: germline. Affected: no.

Ambry Genetics
Classification: Uncertain significance for Cardiovascular phenotype; Hereditary cancer-predisposing syndrome. Last evaluated: 2016-11-15. Review status: criteria provided, single submitter. Criteria: Ambry Variant Classification Scheme 2023. Collection method: clinical testing. Allele origin: germline.
Comment: The p.Q162E variant (also known as c.484C>G), located in coding exon 5 of the NF1 gene, results from a C to G substitution at nucleotide position 484. The glutamine at codon 162 is replaced by glutamic acid, an amino acid with highly similar properties. This variant was not reported in population based cohorts in the following databases: Database of Single Nucleotide Polymorphisms (dbSNP), NHLBI Exome Sequencing Project (ESP), and 1000 Genomes Project. In the ESP, this variant was not observed in 6503 samples (13006 alleles) with coverage at this position. To date, this alteration has been detected with an allele frequency of approximately 0.001% (greater than 175000 alleles tested) in our clinical cohort. This amino acid position is highly conserved in available vertebrate species. In addition, the in silico prediction for this alteration is inconclusive. Since supporting evidence is limited at this time, the clinical significance of this alteration remains unclear.